The following is an entry in ClinVar:

NM_001353345.2(SETD1B):c.2943del (p.Arg982fs)

Gene: SETD1B (SET domain containing 1B, histone lysine methyltransferase; plus strand). Cytogenetic location: 12q24.31.
Variant type: Deletion.
Coding change: c.2943del on transcript NM_001353345.2 (MANE Select); coding-DNA position 2943, one base deleted (G; older notation c.2943delG).
Protein change: p.Arg982fs; shifts the reading frame from arginine 982.
Molecular consequence: frameshift variant.
Genome position (GRCh38, 1-based): chr12:121,817,260, G deleted. VCF-style (leftmost placement, unchanged base first): chr12-121817259-TG-T. GRCh37 (hg19) VCF-style: chr12-122255165-TG-T.
Other names: short protein forms R982fs.
Identifiers: ClinVar variation 2626945 (VCV002626945.1), dbSNP rs2500212165, ClinGen allele CA2582341804.

ClinVar aggregate classification (germline): Likely pathogenic (1 of 4 stars; one submission).

Conditions:
Intellectual developmental disorder with seizures and language delay (IDDSELD). Identifiers: MedGen C5436574, MONDO:0033559, OMIM 619000.

Submission:

Greenwood Genetic Center Diagnostic Laboratories, Greenwood Genetic Center
Classification: Likely pathogenic for Intellectual developmental disorder with seizures and language delay. Last evaluated: 2023-09-14. Review status: criteria provided, single submitter. Criteria: ACMG Guidelines, 2015. Collection method: clinical testing. Allele origin: germline. Affected: yes.
Comment: PVS1, PM2